The following is an entry in ClinVar:

ClinVar aggregate classification (germline): Conflicting classifications of pathogenicity. Review status: criteria provided, conflicting classifications (1 of 4 stars). 2 submissions from 2 submitters: Likely pathogenic (1); Uncertain significance (1). Last evaluated 2025-03-24.

Conditions:
MPI-congenital disorder of glycosylation. Also called: MPI-CDG; CONGENITAL DISORDER OF GLYCOSYLATION, TYPE Ib; PROTEIN-LOSING ENTEROPATHY-HEPATIC FIBROSIS SYNDROME; MANNOSEPHOSPHATE ISOMERASE DEFICIENCY; CDG Ib; MPI DEFICIENCY. Identifiers: Orphanet 79319, MedGen C1865145, MONDO:0011257, OMIM 602579.

Submissions (2):

Women's Health and Genetics/Laboratory Corporation of America, LabCorp
Classification: Uncertain significance. Last evaluated: 2025-03-24. Review status: criteria provided, single submitter. Criteria: LabCorp Variant Classification Summary - May 2015. Collection method: clinical testing. Allele origin: germline.
Comment: Variant summary: MPI c.1124G>A (p.Gly375Glu) results in a non-conservative amino acid change in the encoded protein sequence. Five of five in-silico tools predict a damaging effect of the variant on protein function. The variant was absent in 251482 control chromosomes. The available data on variant occurrences in the general population are insufficient to allow any conclusion about variant significance. To our knowledge, no occurrence of c.1124G>A in individuals affected with Congenital Disorder Of Glycosylation Type 1B and no experimental evidence demonstrating its impact on protein function have been reported. ClinVar contains an entry for this variant (Variation ID: 1030555). Based on the evidence outlined above, the variant was classified as uncertain significance.

Baylor Genetics
Classification: Likely pathogenic for MPI-congenital disorder of glycosylation. Last evaluated: 2020-09-18. Review status: criteria provided, single submitter. Criteria: ACMG Guidelines, 2015. Collection method: clinical testing. Allele origin: unknown. Affected: yes.
Comment: This variant was determined to be likely pathogenic according to ACMG Guidelines, 2015 [PMID:25741868].

NM_002435.3(MPI):c.1124G>A (p.Gly375Glu)

Gene: MPI (mannose phosphate isomerase; plus strand). Cytogenetic location: 15q24.1.
Variant type: single nucleotide variant.
Coding change: c.1124G>A on transcript NM_002435.3 (MANE Select); coding-DNA position 1124, G replaced by A.
Protein change: p.Gly375Glu; replaces glycine 375 with glutamic acid.
Molecular consequence: missense variant. On other transcripts: 3 prime UTR variant (1).
Genome position (GRCh38, 1-based): chr15:74,897,582, G>A. VCF-style: chr15-74897582-G-A. GRCh37 (hg19) VCF-style: chr15-75189923-G-A.
Other names: c.*51G>A (NM_001289155.2); c.974G>A, p.Gly325Glu (NM_001289156.2); c.941G>A, p.Gly314Glu (NM_001289157.2); c.1064G>A, p.Gly355Glu (NM_001330372.2); short protein forms G325E, G375E, G355E, G314E.
Identifiers: ClinVar variation 1030555 (VCV001030555.2), dbSNP rs2064840907, ClinGen allele CA393179178.